The following is an entry in ClinVar:

ClinVar aggregate classification (germline): Pathogenic/Likely pathogenic. Review status: criteria provided, multiple submitters, no conflicts (2 of 4 stars). 2 submissions from 2 submitters: Pathogenic (1); Likely pathogenic (1). Last evaluated 2023-05-02.

Conditions:
Idiopathic generalized epilepsy. Also called: EIG; Generalised epilepsy. Identifiers: MedGen C0270850, MONDO:0005579, OMIM 600669.
Epilepsy, idiopathic generalized, susceptibility to, 13. Also called: EPILEPSY, JUVENILE MYOCLONIC, SUSCEPTIBILITY TO, 5. Identifiers: Orphanet 307, Orphanet 64280, MedGen C4013473, MONDO:0012627, OMIM 611136.
Epilepsy, childhood absence 4 (ECA4). Also called: EPILEPSY, CHILDHOOD ABSENCE, SUSCEPTIBILITY TO, 4. Identifiers: Orphanet 307, MedGen C1970160.
Developmental and epileptic encephalopathy, 19 (DEE19). Also called: Epileptic encephalopathy, early infantile, 19. Identifiers: Orphanet 33069, MedGen C3810400, MONDO:0014328, OMIM 615744.

Submissions (2):

Broad Center for Mendelian Genomics, Broad Institute of MIT and Harvard
Classification: Likely pathogenic for Developmental and epileptic encephalopathy, 19. Last evaluated: 2023-05-02. Review status: criteria provided, single submitter. Criteria: ACMG Guidelines, 2015. Collection method: curation. Allele origin: germline. Inheritance: Autosomal dominant inheritance.
Comment: Trio genome analysis showed this variant to be de novo. This variant has not been previously reported in individuals with epileptic encephalopathy, early infantile,19 and was absent from large population studies. This variant has also been reported in ClinVar (Variation ID# 568345) and has been interpreted as pathogenic by Invitae. This variant is predicted to cause a frameshift, which alters the protein‚Äôs amino acid sequence beginning at position 290 and leads to a premature termination codon 10 amino acids downstream. This alteration is then predicted to lead to a truncated or absent protein. Heterozygous loss of function of the GABRA1 gene is strongly associated to epileptic encephalopathy, early infantile, 19. In summary, although additional studies are required to fully establish its clinical significance, this variant is likely pathogenic for autosomal dominant epileptic encephalopathy, early infantile,19. ACMG/AMP Criteria applied: PVS1_strong, PM2, PS2_moderate (Richards 2015).

Labcorp Genetics (formerly Invitae), Labcorp
Classification: Pathogenic for Epilepsy, childhood absence 4; Epilepsy, idiopathic generalized, susceptibility to, 13; Idiopathic generalized epilepsy. Last evaluated: 2018-05-16. Review status: criteria provided, single submitter. Criteria: Invitae Variant Classification Sherloc (09022015). Collection method: clinical testing. Allele origin: germline.
Comment: For these reasons, this variant has been classified as Pathogenic. Loss-of-function variants in GABRA1 are known to be pathogenic (PMID: 16718694). This variant has not been reported in the literature in individuals with GABRA1-related disease. This variant is not present in population databases (ExAC no frequency). This sequence change creates a premature translational stop signal (p.Val290Glufs*10) in the GABRA1 gene. It is expected to result in an absent or disrupted protein product.

Literature cited by the submitters: PubMed 16718694 (cited by Labcorp Genetics (formerly Invitae), Labcorp).

NM_001127644.2(GABRA1):c.869_888del (p.Val290fs)

Gene: GABRA1 (gamma-aminobutyric acid type A receptor subunit alpha1; plus strand). Cytogenetic location: 5q34.
Variant type: Deletion.
Coding change: c.869_888del on transcript NM_001127644.2 (MANE Select); coding-DNA positions 869 to 888, 20 bases deleted (TGCTCACCATGACAACATTG).
Protein change: p.Val290fs; shifts the reading frame from valine 290.
Molecular consequence: frameshift variant.
Genome position (GRCh38, 1-based): chr5:161,895,678-161,895,697, TGCTCACCATGACAACATTG deleted; deleting any 20 consecutive bases within chr5:161,895,676-161,895,697 gives the same sequence; the c. name uses the placement nearest the transcript's 3' end. VCF-style (leftmost placement, unchanged base first): chr5-161895675-CTGTGCTCACCATGACAACAT-C. GRCh37 (hg19) VCF-style: chr5-161322681-CTGTGCTCACCATGACAACAT-C.
Other names: NM_001127644.2(GABRA1):c.869_888del; p.Val290fs; c.869_888delTGCTCACCATGACAACATTG (NM_000806.5); c.869_888del, p.Val290fs (NM_000806.5, NM_001127643.2, NM_001127645.2 and 1 more transcripts); short protein forms V290fs.
Identifiers: ClinVar variation 568345 (VCV000568345.7), dbSNP rs1561587715, ClinGen allele CA891842786.